The following is an entry in ClinVar:

ClinVar aggregate classification (germline): Uncertain significance (1 of 4 stars; one submission).

Conditions:
Dyskeratosis congenita. Identifiers: Orphanet 1775, MedGen C0265965, MONDO:0015780.

Submission:

Labcorp Genetics (formerly Invitae), Labcorp
Classification: Uncertain significance for Dyskeratosis congenita. Last evaluated: 2025-03-12. Review status: criteria provided, single submitter. Criteria: Invitae Variant Classification Sherloc (09022015). Collection method: clinical testing. Allele origin: germline.
Comment: This sequence change replaces isoleucine, which is neutral and non-polar, with methionine, which is neutral and non-polar, at codon 136 of the DKC1 protein (p.Ile136Met). This variant is not present in population databases (gnomAD no frequency). This variant has not been reported in the literature in individuals affected with DKC1-related conditions. Invitae Evidence Modeling of protein sequence and biophysical properties (such as structural, functional, and spatial information, amino acid conservation, physicochemical variation, residue mobility, and thermodynamic stability) indicates that this missense variant is expected to disrupt DKC1 protein function with a positive predictive value of 80%. In summary, the available evidence is currently insufficient to determine the role of this variant in disease. Therefore, it has been classified as a Variant of Uncertain Significance.

NM_001363.5(DKC1):c.408A>G (p.Ile136Met)

Gene: DKC1 (dyskerin pseudouridine synthase 1; plus strand). Cytogenetic location: Xq28.
Variant type: single nucleotide variant.
Coding change: c.408A>G on transcript NM_001363.5 (MANE Select); coding-DNA position 408, A replaced by G.
Protein change: p.Ile136Met; replaces isoleucine 136 with methionine.
Molecular consequence: missense variant. On other transcripts: non-coding transcript variant (3).
Genome position (GRCh38, 1-based): chrX:154,766,360, A>G. VCF-style: chrX-154766360-A-G. GRCh37 (hg19) VCF-style: chrX-153994635-A-G.
Other names: c.408A>G, p.Ile136Met (NM_001142463.3, NM_001288747.2); short protein forms I136M.
Identifiers: ClinVar variation 4742095 (VCV004742095.1).